The following is an entry in ClinVar:

ClinVar aggregate classification (germline): Likely benign (0 of 4 stars; one submission).

Conditions:
CC2D2A-related disorder. Also called: CC2D2A-related condition; CC2D2A-related disorders. Identifiers: MedGen CN239313.

Submission:

PreventionGenetics, part of Exact Sciences
Classification: Likely benign for CC2D2A-related condition. Last evaluated: 2019-06-17. Review status: no assertion criteria provided. Collection method: clinical testing. Allele origin: germline.
Comment: This variant is classified as likely benign based on ACMG/AMP sequence variant interpretation guidelines (Richards et al. 2015 PMID: 25741868, with internal and published modifications).

NM_001378615.1(CC2D2A):c.717+6T>G

Genes: CC2D2A (coiled-coil and C2 domain containing 2A; plus strand), FBXL5 (F-box and leucine rich repeat protein 5; minus strand). Cytogenetic location: 4p15.32.
Variant type: single nucleotide variant.
Coding change: c.717+6T>G on transcript NM_001378615.1 (MANE Select); 6 bases into the intron after coding-DNA position 717, T replaced by G.
Molecular consequence: intron variant.
Genome position (GRCh38, 1-based): chr4:15,511,429, T>G. VCF-style: chr4-15511429-T-G. GRCh37 (hg19) VCF-style: chr4-15513052-T-G.
Other names: c.717+6T>G (NM_001080522.2); c.570+6T>G (NM_001378617.1).
Identifiers: ClinVar variation 3034226 (VCV003034226.2), dbSNP rs2474912528, ClinGen allele CA2740091215.
Genomic context (GRCh38, chr4:15,511,429, plus strand): 5'-GGAGGAGGAAGGGGAAGAAGAAGAACCACCTGCACAAGGAGGAGGAAAGGAAATGGTATT[T>G]AATATCAGGATGGTAATGAGGTGTGGGTGGAGGGCTAGGAGGAAAAAGCTGATGTCCCTG-3'